The following is an entry in ClinVar:

ClinVar aggregate classification (germline): Likely pathogenic (1 of 4 stars; one submission).

Conditions:
Infantile neuroaxonal dystrophy (NBIA2A). Also called: NEURODEGENERATION WITH BRAIN IRON ACCUMULATION 2A; SEITELBERGER DISEASE; Infantile neuroaxonal dystrophy 1. Identifiers: Orphanet 35069, MedGen C0270724, MONDO:0024457, OMIM 256600.

Submission:

Diagnostics Services (NGS), CSIR - Centre For Cellular And Molecular Biology
Classification: Likely pathogenic for Infantile neuroaxonal dystrophy. Last evaluated: 2026-06-09. Review status: criteria provided, single submitter. Criteria: ACMG Guidelines, 2015. Collection method: clinical testing. Allele origin: germline. Affected: yes. Observed: 1 variant allele, 1 homozygote.
Comment: The c.210-2A>G variant is not present in publicly available population databases like 1000 Genomes, EVS, gnomAD, Indian Exome Database and our internal database. The variant has neither been observed in affected individuals for PLA2G6-related conditions nor reported to clinical databases like Human Genome Mutation Database (HGMD), ClinVar, or OMIM, in any affected individuals. Algorithms developed to predict the effect of sequence changes on RNA splicing suggest that this variant can disrupt the consensus splice site. In-silico pathogenicity prediction programs like HSF3.1, MutationTaster2, CADD, Varsome etc predicted the variant to be likely deleterious, however these predictions were not confirmed by published functional/translational studies.

NM_003560.4(PLA2G6):c.210-2A>G

Gene: PLA2G6 (phospholipase A2 group VI; minus strand). Cytogenetic location: 22q13.1.
Variant type: single nucleotide variant.
Coding change: c.210-2A>G on transcript NM_003560.4 (MANE Select); the canonical splice acceptor site of the intron before coding-DNA position 210, A replaced by G.
Molecular consequence: splice acceptor variant.
Genome position (GRCh38, 1-based): chr22:38,145,655, T>C on the plus strand (A>G on the coding strand, the complement: PLA2G6 is on the minus strand). VCF-style: chr22-38145655-T-C. GRCh37 (hg19) VCF-style: chr22-38541662-T-C.
Other names: c.-281-2A>G (NM_001349868.2); c.210-2A>G (NM_001349866.2, NM_001199562.3, NM_001349865.2 and 2 more transcripts); c.-325-2A>G (NM_001349869.2, NM_001349867.2).
Identifiers: ClinVar variation 4884501 (VCV004884501.1).
Genomic context (GRCh38, chr22:38,145,655, plus strand): 5'-GGGAAGAATACTGATGGAAATTCACTAGGGCGTCAGCCTCCAACTCCAGCTGGAAGAGTC[T>C]GTAGAGCCAGGACAGAGGAGCAAGACCCGAAATGAGTAAGGCGGGACCCTCGGCCCACAT-3'